The following is an entry in ClinVar:

NM_003068.5(SNAI2):c.118C>T (p.Pro40Ser)

Gene: SNAI2 (snail family transcriptional repressor 2; minus strand). Cytogenetic location: 8q11.21.
Variant type: single nucleotide variant.
Coding change: c.118C>T on transcript NM_003068.5 (MANE Select); coding-DNA position 118, C replaced by T.
Protein change: p.Pro40Ser; replaces proline 40 with serine.
Molecular consequence: missense variant.
Genome position (GRCh38, 1-based): chr8:48,920,403, G>A on the plus strand (C>T on the coding strand, the complement: SNAI2 is on the minus strand). VCF-style: chr8-48920403-G-A. GRCh37 (hg19) VCF-style: chr8-49832962-G-A.
Other names: short protein forms P40S.
Identifiers: ClinVar variation 2791410 (VCV002791410.3), dbSNP rs891783277, ClinGen allele CA176682150.
Genomic context (GRCh38, chr8:48,920,403, plus strand): 5'-TCCACACAGTGATGGGGCTGTATGCTCCTGAGCTGAGGATCTCTGGTTGTGGTATGACAG[G>A]CATGGAGTAACTCTCATAGAGATACGGGGAAATAATCACTGGGAAAGAAAAGGGAGGGAG-3'
Protein context (NP_003059.1, residues 30-50): SPYLYESYSM[Pro40Ser]VIPQPEILSS

ClinVar aggregate classification (germline): Uncertain significance (1 of 4 stars; one submission).

gnomAD v4.1: 5 of 1,614,114 alleles (0.00031%); highest among the groups gnomAD compares: South Asian, 0.0011%; no homozygotes.

Submission:

Labcorp Genetics (formerly Invitae), Labcorp
Classification: Uncertain significance. Last evaluated: 2023-03-19. Review status: criteria provided, single submitter. Criteria: Invitae Variant Classification Sherloc (09022015). Collection method: clinical testing. Allele origin: germline.
Comment: This variant is not present in population databases (gnomAD no frequency). In summary, the available evidence is currently insufficient to determine the role of this variant in disease. Therefore, it has been classified as a Variant of Uncertain Significance. An algorithm developed to predict the effect of missense changes on protein structure and function (PolyPhen-2) suggests that this variant is likely to be tolerated. This variant has not been reported in the literature in individuals affected with SNAI2-related conditions. This sequence change replaces proline, which is neutral and non-polar, with serine, which is neutral and polar, at codon 40 of the SNAI2 protein (p.Pro40Ser).